The following is an entry in ClinVar:

NM_000334.4(SCN4A):c.4017+268C>T

Genes: GH-LCR (growth hormone locus control region; plus strand), SCN4A (sodium voltage-gated channel alpha subunit 4; minus strand). Cytogenetic location: 17q23.3.
Variant type: single nucleotide variant.
Coding change: c.4017+268C>T on transcript NM_000334.4 (MANE Select); 268 bases into the intron after coding-DNA position 4017, C replaced by T.
Molecular consequence: intron variant.
Genome position (GRCh38, 1-based): chr17:63,943,478, G>A on the plus strand (C>T on the coding strand, the complement: SCN4A is on the minus strand). VCF-style: chr17-63943478-G-A. GRCh37 (hg19) VCF-style: chr17-62020838-G-A.
Identifiers: ClinVar variation 684260 (VCV000684260.1), dbSNP rs8074752, ClinGen allele CA14383697.

ClinVar aggregate classification (germline): Benign (1 of 4 stars; one submission).

Allele frequency attached by ClinVar (database versions not stated): 1000 Genomes Project 0.57049; 1000 Genomes Project 30x 0.57527; gnomAD 0.60513 and 0.61705; TOPMed 0.61979.

Submission:

GeneDx
Classification: Benign. Last evaluated: 2018-06-19. Review status: criteria provided, single submitter. Criteria: GeneDx Variant Classification (06012015). Collection method: clinical testing. Allele origin: germline. Affected: yes.
Comment: This variant is considered likely benign or benign based on one or more of the following criteria: it is a conservative change, it occurs at a poorly conserved position in the protein, it is predicted to be benign by multiple in silico algorithms, and/or has population frequency not consistent with disease.